The following is an entry in ClinVar:

NM_015164.4(PLEKHM2):c.2054C>T (p.Thr685Met)

Gene: PLEKHM2 (pleckstrin homology and RUN domain containing M2; plus strand). Cytogenetic location: 1p36.21.
Variant type: single nucleotide variant.
Coding change: c.2054C>T on transcript NM_015164.4 (MANE Select); coding-DNA position 2054, C replaced by T.
Protein change: p.Thr685Met; replaces threonine 685 with methionine.
Molecular consequence: missense variant.
Genome position (GRCh38, 1-based): chr1:15,729,169, C>T. VCF-style: chr1-15729169-C-T. GRCh37 (hg19) VCF-style: chr1-16055664-C-T.
Other names: c.2054C>T (NM_015164.2); short protein forms T685M.
Identifiers: ClinVar variation 1466363 (VCV001466363.8), dbSNP rs1160636602, ClinGen allele CA338569705.

ClinVar aggregate classification (germline): Uncertain significance. Review status: criteria provided, multiple submitters, no conflicts (2 of 4 stars). 2 submissions from 2 submitters: Uncertain significance (2). Last evaluated 2025-06-12.

Conditions:
Dilated Cardiomyopathy, Recessive.

Allele frequency attached by ClinVar (database versions not stated): gnomAD exomes 0.00002; TOPMed 0.00003; gnomAD 0.00004.
gnomAD v4.1: 94 of 1,611,236 alleles (0.0058%); highest among the groups gnomAD compares: Non-Finnish European, 0.007%; no homozygotes.

Submissions (2):

Ambry Genetics
Classification: Uncertain significance. Last evaluated: 2025-06-12. Review status: criteria provided, single submitter. Criteria: Ambry Variant Classification Scheme 2023. Collection method: clinical testing. Allele origin: germline.

Labcorp Genetics (formerly Invitae), Labcorp
Classification: Uncertain significance. Last evaluated: 2023-06-22. Review status: criteria provided, single submitter. Criteria: Invitae Variant Classification Sherloc (09022015). Collection method: clinical testing. Allele origin: germline.
Comment: This variant has not been reported in the literature in individuals affected with PLEKHM2-related conditions. In summary, the available evidence is currently insufficient to determine the role of this variant in disease. Therefore, it has been classified as a Variant of Uncertain Significance. An algorithm developed to predict the effect of missense changes on protein structure and function (PolyPhen-2) suggests that this variant is likely to be disruptive. ClinVar contains an entry for this variant (Variation ID: 1466363). This variant is present in population databases (no rsID available, gnomAD 0.01%). This sequence change replaces threonine, which is neutral and polar, with methionine, which is neutral and non-polar, at codon 685 of the PLEKHM2 protein (p.Thr685Met).